The following is an entry in ClinVar:

NM_000077.5(CDKN2A):c.331G>T (p.Gly111Cys)

Gene: CDKN2A (cyclin dependent kinase inhibitor 2A; minus strand). Cytogenetic location: 9p21.3.
Variant type: single nucleotide variant.
Coding change: c.331G>T on transcript NM_000077.5; coding-DNA position 331, G replaced by T.
Protein change: p.Gly111Cys; replaces glycine 111 with cysteine.
Molecular consequence: missense variant (on NM_000077.6). On other transcripts: 3 prime UTR variant (1).
Genome position (GRCh38, 1-based): chr9:21,971,028, C>A on the plus strand (G>T on the coding strand, the complement: CDKN2A is on the minus strand). VCF-style: chr9-21971028-C-A. GRCh37 (hg19) VCF-style: chr9-21971027-C-A.
Other names: c.331G>T, p.Gly111Cys (NM_000077.6, NM_001195132.2); c.178G>T, p.Gly60Cys (NM_001363763.2); c.374G>T, p.Gly125Val (NM_058195.4); c.*254G>T (NM_058197.5); short protein forms G125V, G111C, G60C.
Identifiers: ClinVar variation 2625891 (VCV002625891.2), dbSNP rs778971134, ClinGen allele CA373086045.

ClinVar aggregate classification (germline): Uncertain significance (1 of 4 stars; one submission).

Conditions:
Hereditary cancer-predisposing syndrome. Also called: Tumor predisposition; Neoplastic Syndromes, Hereditary; Hereditary Cancer Syndrome; Hereditary neoplastic syndrome. Identifiers: Orphanet 140162, MedGen C0027672, MeSH D009386, MONDO:0015356.

Submission:

Ambry Genetics
Classification: Uncertain significance for Hereditary cancer-predisposing syndrome. Last evaluated: 2023-08-15. Review status: criteria provided, single submitter. Criteria: Ambry Variant Classification Scheme 2023. Collection method: clinical testing. Allele origin: germline.
Comment: The p.G111C variant (also known as c.331G>T), located in coding exon 2 of the CDKN2A gene, results from a G to T substitution at nucleotide position 331. The glycine at codon 111 is replaced by cysteine, an amino acid with highly dissimilar properties. This amino acid position is well conserved in available vertebrate species. In addition, this alteration is predicted to be deleterious by in silico analysis. Since supporting evidence is limited at this time, the clinical significance of this alteration remains unclear.